The following is an entry in ClinVar:

NM_002582.4(PARN):c.1469A>G (p.Gln490Arg)

Gene: PARN (poly(A)-specific ribonuclease; minus strand). Cytogenetic location: 16p13.12.
Variant type: single nucleotide variant.
Coding change: c.1469A>G on transcript NM_002582.4 (MANE Select); coding-DNA position 1469, A replaced by G.
Protein change: p.Gln490Arg; replaces glutamine 490 with arginine.
Molecular consequence: missense variant.
Genome position (GRCh38, 1-based): chr16:14,552,032, T>C on the plus strand (A>G on the coding strand, the complement: PARN is on the minus strand). VCF-style: chr16-14552032-T-C. GRCh37 (hg19) VCF-style: chr16-14645889-T-C.
Other names: c.1286A>G, p.Gln429Arg (NM_001134477.3); c.1331A>G, p.Gln444Arg (NM_001242992.2); short protein forms Q490R, Q429R, Q444R.
Identifiers: ClinVar variation 1514018 (VCV001514018.6), dbSNP rs2151705664, ClinGen allele CA394810157.
Genomic context (GRCh38, chr16:14,552,032, plus strand): 5'-CAACCTCTCACTGTATTTAATACACAAAACAGAAATCCAAAACACTTACCAATCTTTACT[T>C]GCTCGGGCTGGCTAAGGGAAACAAATGCTGATGTGTCATCAATCCAGGATATCTGAATGT-3'
Protein context (NP_002573.1, residues 480-500): SAFVSLSQPE[Gln490Arg]VKIAVNTSKY

ClinVar aggregate classification (germline): Uncertain significance (1 of 4 stars; one submission).

Conditions:
Pulmonary fibrosis and/or bone marrow failure, Telomere-related, 4. Also called: PULMONARY FIBROSIS AND/OR BONE MARROW FAILURE SYNDROME, TELOMERE-RELATED, 4. Identifiers: Orphanet 2032, MedGen C4225347, MONDO:0014612, OMIM 616371.
Dyskeratosis congenita, autosomal recessive 6 (DKCB6). Identifiers: MedGen C4225356, MONDO:0014600, OMIM 616353.

Submission:

Labcorp Genetics (formerly Invitae), Labcorp
Classification: Uncertain significance for Dyskeratosis congenita, autosomal recessive 6; Pulmonary fibrosis and/or bone marrow failure, Telomere-related, 4. Last evaluated: 2021-08-12. Review status: criteria provided, single submitter. Criteria: Invitae Variant Classification Sherloc (09022015). Collection method: clinical testing. Allele origin: germline.
Comment: In summary, the available evidence is currently insufficient to determine the role of this variant in disease. Therefore, it has been classified as a Variant of Uncertain Significance. Algorithms developed to predict the effect of missense changes on protein structure and function are either unavailable or do not agree on the potential impact of this missense change (SIFT: "Tolerated"; PolyPhen-2: "Possibly Damaging"; Align-GVGD: "Class C0"). This variant has not been reported in the literature in individuals affected with PARN-related conditions. This variant is not present in population databases (ExAC no frequency). This sequence change replaces glutamine with arginine at codon 490 of the PARN protein (p.Gln490Arg). The glutamine residue is highly conserved and there is a small physicochemical difference between glutamine and arginine.